The following is an entry in ClinVar:

NM_001303457.2(TTI1):c.106C>T (p.Arg36Ter)

Gene: TTI1 (TELO2 interacting protein 1; minus strand). Cytogenetic location: 20q11.23.
Variant type: single nucleotide variant.
Coding change: c.106C>T on transcript NM_001303457.2 (MANE Select); coding-DNA position 106, C replaced by T.
Protein change: p.Arg36Ter; replaces arginine 36 with a stop codon.
Molecular consequence: nonsense.
Genome position (GRCh38, 1-based): chr20:38,013,711, G>A on the plus strand (C>T on the coding strand, the complement: TTI1 is on the minus strand). VCF-style: chr20-38013711-G-A. GRCh37 (hg19) VCF-style: chr20-36642113-G-A.
Other names: NM_014657.3:c.106C>T; c.106C>T, p.Arg36Ter (NM_014657.3); short protein forms R36*.
Identifiers: ClinVar variation 4819591 (VCV004819591.1).

ClinVar aggregate classification (germline): Likely pathogenic (1 of 4 stars; one submission).

Conditions:
Neurodevelopmental disorder. Identifiers: MedGen C1535926, MeSH D065886, MONDO:0700092.

Submission:

Broad Center for Mendelian Genomics, Broad Institute of MIT and Harvard
Classification: Likely pathogenic for Neurodevelopmental disorder. Last evaluated: 2026-03-05. Review status: criteria provided, single submitter. Criteria: ACMG Guidelines, 2015. Collection method: research. Allele origin: germline. Inheritance: Autosomal recessive inheritance. Study: GREGoR Consortium.
Comment: The p.Arg36Ter variant in TTI1 has been reported in 1 individual with neurodevelopmental disorder (Serey-Gaut 2023 PMID: 36724785). It has also been identified in 0.004% (5/129094) of European (non-Finnish) chromosomes by gnomAD. However, this frequency is low enough to be consistent with a recessive allele frequency. This nonsense variant leads to a premature termination codon at position 36, which is predicted to lead to a truncated or absent protein. Loss of function of the TTI1 gene is an established disease mechanism in autosomal recessive neurodevelopmental disorder. In summary, although additional studies are required to fully establish its clinical significance, this variant meets criteria to be classified as likely pathogenic for autosomal recessive neurodevelopmental disorder. ACMG/AMP Criteria applied: PVS1, PM2_Supporting.